The following is an entry in ClinVar:

NM_001793.6(CDH3):c.559G>T (p.Ala187Ser)

Gene: CDH3 (cadherin 3; plus strand). Cytogenetic location: 16q22.1.
Variant type: single nucleotide variant.
Coding change: c.559G>T on transcript NM_001793.6 (MANE Select); coding-DNA position 559, G replaced by T.
Protein change: p.Ala187Ser; replaces alanine 187 with serine.
Molecular consequence: missense variant.
Genome position (GRCh38, 1-based): chr16:68,678,774, G>T. VCF-style: chr16-68678774-G-T. GRCh37 (hg19) VCF-style: chr16-68712677-G-T.
Other names: c.559G>T, p.Ala187Ser (NM_001317195.3); c.394G>T, p.Ala132Ser (NM_001317196.2); c.559G>T (NM_001793.5); short protein forms A187S, A132S.
Identifiers: ClinVar variation 1357821 (VCV001357821.7), dbSNP rs1961113012, ClinGen allele CA396449333.

ClinVar aggregate classification (germline): Uncertain significance. Review status: criteria provided, single submitter (1 of 4 stars). 2 submissions from 2 submitters: Uncertain significance (1). 1 of the submissions does not count toward it. Last evaluated 2025-05-05.

Conditions:
CDH3-related disorder. Also called: CDH3-related condition.

gnomAD v4.1: 1 of 1,614,132 alleles (0.000062%); highest among the groups gnomAD compares: Non-Finnish European, 0.000085%; no homozygotes.

Submissions (2):

Labcorp Genetics (formerly Invitae), Labcorp
Classification: Uncertain significance. Last evaluated: 2025-05-05. Review status: criteria provided, single submitter. Criteria: Invitae Variant Classification Sherloc (09022015). Collection method: clinical testing. Allele origin: germline.
Comment: This sequence change replaces alanine, which is neutral and non-polar, with serine, which is neutral and polar, at codon 187 of the CDH3 protein (p.Ala187Ser). This variant is not present in population databases (gnomAD no frequency). This variant has not been reported in the literature in individuals affected with CDH3-related conditions. ClinVar contains an entry for this variant (Variation ID: 1357821). Invitae Evidence Modeling of protein sequence and biophysical properties (such as structural, functional, and spatial information, amino acid conservation, physicochemical variation, residue mobility, and thermodynamic stability) has been performed for this missense variant. However, the output from this modeling did not meet the statistical confidence thresholds required to predict the impact of this variant on CDH3 protein function. In summary, the available evidence is currently insufficient to determine the role of this variant in disease. Therefore, it has been classified as a Variant of Uncertain Significance.

PreventionGenetics, part of Exact Sciences
Classification: Uncertain significance for CDH3-related condition. Last evaluated: 2024-03-27. Review status: no assertion criteria provided. Collection method: clinical testing. Allele origin: germline. Not counted in ClinVar's aggregate classification.
Comment: The CDH3 c.559G>T variant is predicted to result in the amino acid substitution p.Ala187Ser. To our knowledge, this variant has not been reported in the literature or in a large population database, indicating this variant is rare. At this time, the clinical significance of this variant is uncertain due to the absence of conclusive functional and genetic evidence.